The following is an entry in ClinVar:

NM_144687.4(NLRP12):c.3004G>A (p.Asp1002Asn)

Gene: NLRP12 (NLR family pyrin domain containing 12; minus strand). Cytogenetic location: 19q13.42.
Variant type: single nucleotide variant.
Coding change: c.3004G>A on transcript NM_144687.4 (MANE Select); coding-DNA position 3004, G replaced by A.
Protein change: p.Asp1002Asn; replaces aspartic acid 1002 with asparagine.
Molecular consequence: missense variant.
Genome position (GRCh38, 1-based): chr19:53,795,953, C>T on the plus strand (G>A on the coding strand, the complement: NLRP12 is on the minus strand). VCF-style: chr19-53795953-C-T. GRCh37 (hg19) VCF-style: chr19-54299207-C-T.
Other names: c.3007G>A, p.Asp1003Asn (NM_001277126.2); c.2833G>A, p.Asp945Asn (NM_001277129.1); short protein forms D1002N, D1003N, D945N.
Identifiers: ClinVar variation 536948 (VCV000536948.24), dbSNP rs144746100, ClinGen allele CA9638803.

ClinVar aggregate classification (germline): Benign/Likely benign. Review status: criteria provided, multiple submitters, no conflicts (2 of 4 stars). 8 submissions from 8 submitters: Benign (2); Likely benign (5). 1 of the submissions does not count toward it. Last evaluated 2026-01-24.

Conditions:
NLRP12-related disorder. Also called: NLRP12-related condition; NLRP12-related conditions.
Autoinflammatory syndrome. Identifiers: Orphanet 93665, MedGen C3890737, MONDO:0019751.
Familial cold autoinflammatory syndrome 2 (FCAS2). Identifiers: Orphanet 247868, MedGen C2673198, MONDO:0012724, OMIM 611762.

Allele frequency attached by ClinVar (database versions not stated): gnomAD exomes 0.00029; ExAC 0.00043; TOPMed 0.00119; ESP Exome Variant Server 0.00123; gnomAD 0.00131; 1000 Genomes Project 30x 0.00203; 1000 Genomes Project 0.00220.
gnomAD v4.1: 397 of 1,614,118 alleles (0.025%); highest among the groups gnomAD compares: African/African-American, 0.45%; 3 homozygotes.

Submissions (8):

Labcorp Genetics (formerly Invitae), Labcorp
Classification: Benign for Familial cold autoinflammatory syndrome 2. Last evaluated: 2026-01-24. Review status: criteria provided, single submitter. Criteria: Invitae Variant Classification Sherloc (09022015). Collection method: clinical testing. Allele origin: germline.

Women's Health and Genetics/Laboratory Corporation of America, LabCorp
Classification: Likely benign. Last evaluated: 2026-01-23. Review status: criteria provided, single submitter. Criteria: LabCorp Variant Classification Summary - May 2015. Collection method: clinical testing. Allele origin: germline.

ARUP Laboratories, Molecular Genetics and Genomics, ARUP Laboratories
Classification: Likely benign for Familial cold autoinflammatory syndrome 2. Last evaluated: 2025-05-02. Review status: criteria provided, single submitter. Criteria: ARUP Molecular Germline Variant Investigation Process 2024. Collection method: clinical testing. Allele origin: germline.

Blueprint Genetics
Classification: Likely benign. Last evaluated: 2024-09-23. Review status: criteria provided, single submitter. Criteria: ACMG Guidelines, 2015. Collection method: clinical testing. Allele origin: germline.

Genome Diagnostics Laboratory, The Hospital for Sick Children
Classification: Likely benign for Autoinflammatory syndrome. Last evaluated: 2022-05-03. Review status: criteria provided, single submitter. Criteria: ACMG Guidelines, 2015. Collection method: clinical testing. Allele origin: germline. Affected: yes.

Illumina Laboratory Services, Illumina
Classification: Benign for Familial cold autoinflammatory syndrome 2. Last evaluated: 2018-01-13. Review status: criteria provided, single submitter. Criteria: ICSL Variant Classification Criteria 13 December 2019. Collection method: clinical testing. Allele origin: germline.
Comment: This variant was observed in the ICSL laboratory as part of a predisposition screen in an ostensibly healthy population. It had not been previously curated by ICSL or reported in the Human Gene Mutation Database (HGMD: prior to June 1st, 2018), and was therefore a candidate for classification through an automated scoring system. Utilizing variant allele frequency, disease prevalence and penetrance estimates, and inheritance mode, an automated score was calculated to assess if this variant is too frequent to cause the disease. Based on the score and internal cut-off values, a variant classified as benign is not then subjected to further curation. The score for this variant resulted in a classification of benign for this disease.

Breakthrough Genomics
Classification: Likely benign. Review status: criteria provided, single submitter. Criteria: ACMG Guidelines, 2015. Collection method: not provided. Allele origin: germline. Inheritance: Autosomal dominant inheritance. Affected: yes.

PreventionGenetics, part of Exact Sciences
Classification: Likely benign for NLRP12-related condition. Last evaluated: 2020-12-18. Review status: no assertion criteria provided. Collection method: clinical testing. Allele origin: germline. Not counted in ClinVar's aggregate classification.
Comment: This variant is classified as likely benign based on ACMG/AMP sequence variant interpretation guidelines (Richards et al. 2015 PMID: 25741868, with internal and published modifications).